The following is an entry in ClinVar:

NM_020631.6(PLEKHG5):c.1705G>A (p.Asp569Asn)

Gene: PLEKHG5 (pleckstrin homology and RhoGEF domain containing G5; minus strand). Cytogenetic location: 1p36.31.
Variant type: single nucleotide variant.
Coding change: c.1705G>A on transcript NM_020631.6 (MANE Select); coding-DNA position 1705, G replaced by A.
Protein change: p.Asp569Asn; replaces aspartic acid 569 with asparagine.
Molecular consequence: missense variant.
Genome position (GRCh38, 1-based): chr1:6,470,331, C>T on the plus strand (G>A on the coding strand, the complement: PLEKHG5 is on the minus strand). VCF-style: chr1-6470331-C-T. GRCh37 (hg19) VCF-style: chr1-6530391-C-T.
Other names: p.Asp569Asn; c.1816G>A, p.Asp606Asn (NM_001042663.3, NM_001265592.2); c.1705G>A, p.Asp569Asn (NM_001042664.2, NM_001042665.2, NM_001265594.3 and 1 more transcripts); c.1912G>A, p.Asp638Asn (NM_001265593.2); c.1705G>A (NM_020631.5); short protein forms D569N, D638N, D606N.
Identifiers: ClinVar variation 378377 (VCV000378377.29), dbSNP rs200641225, ClinGen allele CA561397.

ClinVar aggregate classification (germline): Uncertain significance. Review status: criteria provided, multiple submitters, no conflicts (2 of 4 stars). 10 submissions from 10 submitters: Uncertain significance (10). Last evaluated 2026-04-03.

Conditions:
PLEKHG5-related disorder. Also called: PLEKHG5-related condition.
Charcot-Marie-Tooth disease recessive intermediate C. Also called: CHARCOT-MARIE-TOOTH NEUROPATHY, RECESSIVE INTERMEDIATE C. Identifiers: Orphanet 369867, MedGen C3809309, MONDO:0014154, OMIM 615376.
Neuronopathy, distal hereditary motor, autosomal recessive 4. Also called: NEUROPATHY, DISTAL HEREDITARY MOTOR, AUTOSOMAL RECESSIVE 4; Autosomal recessive lower motor neuron disease with childhood onset. Identifiers: Orphanet 206580, MedGen C1970211, MONDO:0012608, OMIM 611067.
Inborn genetic diseases. Identifiers: MedGen C0950123, MeSH D030342.

Allele frequency attached by ClinVar (database versions not stated): gnomAD exomes 0.00029 and 0.00060; gnomAD 0.00032 and 0.00034; ExAC 0.00034; TOPMed 0.00036; ESP Exome Variant Server 0.00038.
gnomAD v4.1: 907 of 1,613,990 alleles (0.056%); highest among the groups gnomAD compares: Non-Finnish European, 0.074%; no homozygotes.

Submissions (10):

PreventionGenetics, part of Exact Sciences
Classification: Uncertain significance for PLEKHG5-related condition. Last evaluated: 2026-04-03. Review status: criteria provided, single submitter. Criteria: ACMG Guidelines, 2015. Collection method: clinical testing. Allele origin: germline.
Comment: The PLEKHG5 c.1705G>A variant is predicted to result in the amino acid substitution p.Asp569Asn. This variant has been reported in an individual with Charcot-Marie-Tooth disease, however additional information was not provided (Table S3, Antoniadi et al. 2015. PubMed ID: 26392352). This variant is reported in 0.062% of alleles in individuals of European (Non-Finnish) descent in gnomAD. Although we suspect that this variant may be benign, at this time, the clinical significance of this variant is uncertain due to the absence of conclusive functional and genetic evidence.

GeneDx
Classification: Uncertain significance. Last evaluated: 2025-11-18. Review status: criteria provided, single submitter. Criteria: GeneDx Variant Classification Process June 2021. Collection method: clinical testing. Allele origin: germline. Affected: yes.
Comment: Reported previously as a variant of uncertain significance in an individual with peripheral neuropathy; however, additional information was not provided (PMID: 26392352); In silico analysis supports that this missense variant has a deleterious effect on protein structure/function; In silico analysis suggests this variant may impact gene splicing. In the absence of RNA/functional studies, the actual effect of this sequence change is unknown.; This variant is associated with the following publications: (PMID: 26392352)

Mayo Clinic Laboratories, Mayo Clinic
Classification: Uncertain significance. Last evaluated: 2025-03-10. Review status: criteria provided, single submitter. Criteria: ACMG Guidelines, 2015. Collection method: clinical testing. Allele origin: germline. Observed: 3 variant alleles.
Comment: BP4

Ambry Genetics
Classification: Uncertain significance for Inborn genetic diseases. Last evaluated: 2025-01-28. Review status: criteria provided, single submitter. Criteria: Ambry Variant Classification Scheme 2023. Collection method: clinical testing. Allele origin: germline.

Blueprint Genetics
Classification: Uncertain significance. Last evaluated: 2024-10-14. Review status: criteria provided, single submitter. Criteria: ACMG Guidelines, 2015. Collection method: clinical testing. Allele origin: germline.

Labcorp Genetics (formerly Invitae), Labcorp
Classification: Uncertain significance for Neuronopathy, distal hereditary motor, autosomal recessive 4; Charcot-Marie-Tooth disease recessive intermediate C. Last evaluated: 2022-10-26. Review status: criteria provided, single submitter. Criteria: Invitae Variant Classification Sherloc (09022015). Collection method: clinical testing. Allele origin: germline.
Comment: This sequence change replaces aspartic acid, which is acidic and polar, with asparagine, which is neutral and polar, at codon 569 of the PLEKHG5 protein (p.Asp569Asn). This variant is present in population databases (rs200641225, gnomAD 0.06%). This missense change has been observed in individual(s) with inherited peripheral neuropathy (PMID: 26392352). ClinVar contains an entry for this variant (Variation ID: 378377). Algorithms developed to predict the effect of missense changes on protein structure and function are either unavailable or do not agree on the potential impact of this missense change (SIFT: "Tolerated"; PolyPhen-2: "Possibly Damaging"; Align-GVGD: "Class C0"). Algorithms developed to predict the effect of sequence changes on RNA splicing suggest that this variant may create or strengthen a splice site. In summary, the available evidence is currently insufficient to determine the role of this variant in disease. Therefore, it has been classified as a Variant of Uncertain Significance.

Baylor Genetics
Classification: Uncertain significance for Neuronopathy, distal hereditary motor, autosomal recessive 4. Last evaluated: 2022-09-27. Review status: criteria provided, single submitter. Criteria: ACMG Guidelines, 2015. Collection method: clinical testing. Allele origin: unknown.

ARUP Laboratories, Molecular Genetics and Genomics, ARUP Laboratories
Classification: Uncertain significance. Last evaluated: 2020-04-03. Review status: criteria provided, single submitter. Criteria: ARUP Molecular Germline Variant Investigation Process. Collection method: clinical testing. Allele origin: germline.
Comment: The PLEKHG5 c.1705G>A; p.Asp569Asn variant (rs200641225) is reported in the literature in an individual affected with inherited peripheral neuopathy (Antoniadi 2015). This variant is reported in ClinVar (Variation ID: 378377), and is found in the general population with an overall allele frequency of 0.030% (85/282250 alleles) in the Genome Aggregation Database. The aspartic acid at codon 569 is highly conserved, and computational analyses (SIFT: tolerated, PolyPhen-2: possibly damaging) predict conflicting effects of this variant on protein structure/function. Due to limited information, the clinical significance of the p.Asp569Asn variant is uncertain at this time. References: Antoniadi T et al. Application of targeted multi-gene panel testing for the diagnosis of inherited peripheral neuropathy provides a high diagnostic yield with unexpected phenotype-genotype variability. BMC Med Genet. 2015 Sep 21;16:84.

Illumina Laboratory Services, Illumina
Classification: Uncertain significance for Neuronopathy, distal hereditary motor, autosomal recessive 4. Last evaluated: 2018-01-13. Review status: criteria provided, single submitter. Criteria: ICSL Variant Classification Criteria 13 December 2019. Collection method: clinical testing. Allele origin: germline.

Breakthrough Genomics
Classification: Uncertain significance. Review status: criteria provided, single submitter. Criteria: ACMG Guidelines, 2015. Collection method: not provided. Allele origin: germline. Inheritance: Autosomal recessive inheritance. Affected: yes.

Literature cited by the submitters: PubMed 26392352 (cited by 3 submitters).